The following is an entry in ClinVar:

ClinVar aggregate classification (germline): Uncertain significance (1 of 4 stars; one submission).

Conditions:
Cardiovascular phenotype. Identifiers: MedGen CN230736.

Submission:

Ambry Genetics
Classification: Uncertain significance for Cardiovascular phenotype. Last evaluated: 2024-06-09. Review status: criteria provided, single submitter. Criteria: Ambry Variant Classification Scheme 2023. Collection method: clinical testing. Allele origin: germline.
Comment: The p.K3762Q variant (also known as c.11284A>C), located in coding exon 26 of the APOB gene, results from an A to C substitution at nucleotide position 11284. The lysine at codon 3762 is replaced by glutamine, an amino acid with similar properties. This amino acid position is conserved. In addition, this alteration is predicted to be tolerated by in silico analysis. Based on the available evidence, the clinical significance of this variant remains unclear.

NM_000384.3(APOB):c.11284A>C (p.Lys3762Gln)

Gene: APOB (apolipoprotein B; minus strand). Cytogenetic location: 2p24.1.
Variant type: single nucleotide variant.
Coding change: c.11284A>C on transcript NM_000384.3 (MANE Select); coding-DNA position 11284, A replaced by C.
Protein change: p.Lys3762Gln; replaces lysine 3762 with glutamine.
Molecular consequence: missense variant.
Genome position (GRCh38, 1-based): chr2:21,005,584, T>G on the plus strand (A>C on the coding strand, the complement: APOB is on the minus strand). VCF-style: chr2-21005584-T-G. GRCh37 (hg19) VCF-style: chr2-21228456-T-G.
Other names: short protein forms K3762Q.
Identifiers: ClinVar variation 3308073 (VCV003308073.1).